The following is an entry in ClinVar:

ClinVar aggregate classification (germline): Likely pathogenic (1 of 4 stars; one submission).

Conditions:
IFT56-related disorder. Also called: IFT56-related condition.

gnomAD v4.1: 20 of 1,613,914 alleles (0.0012%); highest among the groups gnomAD compares: Middle Eastern, 0.016%; no homozygotes.

Submission:

PreventionGenetics, part of Exact Sciences
Classification: Likely pathogenic for IFT56-related condition. Last evaluated: 2026-04-16. Review status: criteria provided, single submitter. Criteria: ACMG Guidelines, 2015. Collection method: clinical testing. Allele origin: germline.
Comment: The IFT56 c.361C>T variant is predicted to result in premature protein termination (p.Arg121*). To our knowledge, this variant has not been reported in the literature. This variant is reported in 0.0062% of alleles in individuals of African descent in gnomAD. Nonsense variants in IFT56 are expected to be pathogenic. This variant is interpreted as likely pathogenic.

NM_024926.4(IFT56):c.361C>T (p.Arg121Ter)

Gene: IFT56 (intraflagellar transport 56; plus strand). Cytogenetic location: 7q34.
Variant type: single nucleotide variant.
Coding change: c.361C>T on transcript NM_024926.4 (MANE Select); coding-DNA position 361, C replaced by T.
Protein change: p.Arg121Ter; replaces arginine 121 with a stop codon.
Molecular consequence: nonsense. On other transcripts: 5 prime UTR variant (1).
Genome position (GRCh38, 1-based): chr7:139,142,267, C>T. VCF-style: chr7-139142267-C-T. GRCh37 (hg19) VCF-style: chr7-138827013-C-T.
Other names: c.361C>T, p.Arg121Ter (NM_001144920.3, NM_001287512.2, NM_001321740.2 and 2 more transcripts); c.268C>T, p.Arg90Ter (NM_001144923.3); c.46C>T, p.Arg16Ter (NM_001287513.2); c.-221C>T (NM_001318333.2); short protein forms R16*, R90*, R121*.
Identifiers: ClinVar variation 4988856 (VCV004988856.1).